The following is an entry in ClinVar:

NM_139318.5(KCNH5):c.2147A>C (p.Gln716Pro)

Gene: KCNH5 (potassium voltage-gated channel subfamily H member 5; minus strand). Cytogenetic location: 14q23.2.
Variant type: single nucleotide variant.
Coding change: c.2147A>C on transcript NM_139318.5 (MANE Select); coding-DNA position 2147, A replaced by C.
Protein change: p.Gln716Pro; replaces glutamine 716 with proline.
Molecular consequence: missense variant. On other transcripts: 3 prime UTR variant (1).
Genome position (GRCh38, 1-based): chr14:62,708,328, T>G on the plus strand (A>C on the coding strand, the complement: KCNH5 is on the minus strand). VCF-style: chr14-62708328-T-G. GRCh37 (hg19) VCF-style: chr14-63175046-T-G.
Other names: c.*114A>C (NM_172375.3); short protein forms Q716P.
Identifiers: ClinVar variation 2846348 (VCV002846348.3), dbSNP rs2502654492, ClinGen allele CA390101236.

ClinVar aggregate classification (germline): Uncertain significance (1 of 4 stars; one submission).

Conditions:
Early-infantile DEE. Also called: Early infantile epileptic encephalopathy; Early infantile epileptic encephalopathy with suppression bursts; Ohtahara syndrome. Identifiers: Orphanet 1934, MedGen C0393706, MONDO:0800491.

Submission:

Labcorp Genetics (formerly Invitae), Labcorp
Classification: Uncertain significance for Early-infantile DEE. Last evaluated: 2023-03-16. Review status: criteria provided, single submitter. Criteria: Invitae Variant Classification Sherloc (09022015). Collection method: clinical testing. Allele origin: germline.
Comment: In summary, the available evidence is currently insufficient to determine the role of this variant in disease. Therefore, it has been classified as a Variant of Uncertain Significance. An algorithm developed to predict the effect of missense changes on protein structure and function (PolyPhen-2) suggests that this variant is likely to be disruptive. This variant has not been reported in the literature in individuals affected with KCNH5-related conditions. This variant is not present in population databases (gnomAD no frequency). This sequence change replaces glutamine, which is neutral and polar, with proline, which is neutral and non-polar, at codon 716 of the KCNH5 protein (p.Gln716Pro).